The following is an entry in ClinVar:

ClinVar aggregate classification (germline): Uncertain significance. Review status: criteria provided, multiple submitters, no conflicts (2 of 4 stars). 5 submissions from 5 submitters: Uncertain significance (5). Last evaluated 2024-07-25.

Conditions:
Inborn genetic diseases. Identifiers: MedGen C0950123, MeSH D030342.
Bartter disease type 1. Also called: HYPERPROSTAGLANDIN E SYNDROME 1; HYPOKALEMIC ALKALOSIS WITH HYPERCALCIURIA 1, ANTENATAL; Bartter syndrome, type 1, antenatal; Bartter Syndrome type 1. Identifiers: Orphanet 112, Orphanet 620217, MedGen C1866495, MONDO:0100344, OMIM 601678, MONDO:0011127.

Allele frequency attached by ClinVar (database versions not stated): gnomAD exomes 0.00001 and 0.00003; ExAC 0.00002; TOPMed 0.00002; gnomAD 0.00003; ESP Exome Variant Server 0.00008.
gnomAD v4.1: 23 of 1,613,342 alleles (0.0014%); highest among the groups gnomAD compares: Non-Finnish European, 0.000085%; no homozygotes.

Submissions (5):

Ambry Genetics
Classification: Uncertain significance for Inborn genetic diseases. Last evaluated: 2024-07-25. Review status: criteria provided, single submitter. Criteria: Ambry Variant Classification Scheme 2023. Collection method: clinical testing. Allele origin: germline.

Fulgent Genetics
Classification: Uncertain significance for Bartter disease type 1. Last evaluated: 2022-01-18. Review status: criteria provided, single submitter. Criteria: ACMG Guidelines, 2015. Collection method: clinical testing. Allele origin: unknown.

Labcorp Genetics (formerly Invitae), Labcorp
Classification: Uncertain significance. Last evaluated: 2021-08-14. Review status: criteria provided, single submitter. Criteria: Invitae Variant Classification Sherloc (09022015). Collection method: clinical testing. Allele origin: germline.
Comment: This sequence change replaces valine with isoleucine at codon 619 of the SLC12A1 protein (p.Val619Ile). The valine residue is highly conserved and there is a small physicochemical difference between valine and isoleucine. This variant is present in population databases (rs139589325, ExAC 0.004%). This variant has not been reported in the literature in individuals affected with SLC12A1-related conditions. ClinVar contains an entry for this variant (Variation ID: 316260). Algorithms developed to predict the effect of missense changes on protein structure and function are either unavailable or do not agree on the potential impact of this missense change (SIFT: "Tolerated"; PolyPhen-2: "Probably Damaging"; Align-GVGD: "Class C0"). In summary, the available evidence is currently insufficient to determine the role of this variant in disease. Therefore, it has been classified as a Variant of Uncertain Significance.

Illumina Laboratory Services, Illumina
Classification: Uncertain significance for Bartter disease type 1. Last evaluated: 2018-01-13. Review status: criteria provided, single submitter. Criteria: ICSL Variant Classification Criteria 13 December 2019. Collection method: clinical testing. Allele origin: germline.

Breakthrough Genomics
Classification: Uncertain significance. Review status: criteria provided, single submitter. Criteria: ACMG Guidelines, 2015. Collection method: not provided. Allele origin: germline. Inheritance: Autosomal recessive inheritance. Affected: yes.

NM_000338.3(SLC12A1):c.1855G>A (p.Val619Ile)

Genes: SLC12A1 (solute carrier family 12 member 1; plus strand), LOC126862123 (CDK7 strongly-dependent group 2 enhancer GRCh37_chr15:48543423-48544622; plus strand). Cytogenetic location: 15q21.1.
Variant type: single nucleotide variant.
Coding change: c.1855G>A on transcript NM_000338.3 (MANE Select); coding-DNA position 1855, G replaced by A.
Protein change: p.Val619Ile; replaces valine 619 with isoleucine.
Molecular consequence: missense variant.
Genome position (GRCh38, 1-based): chr15:48,251,683, G>A. VCF-style: chr15-48251683-G-A. GRCh37 (hg19) VCF-style: chr15-48543880-G-A.
Other names: c.1855G>A, p.Val619Ile (NM_001184832.2); short protein forms V619I.
Identifiers: ClinVar variation 316260 (VCV000316260.12), dbSNP rs139589325, ClinGen allele CA7547214.